The following is an entry in ClinVar:

ClinVar aggregate classification (germline): Conflicting classifications of pathogenicity. Review status: criteria provided, conflicting classifications (1 of 4 stars). 2 submissions from 2 submitters: Likely pathogenic (1); Uncertain significance (1). Last evaluated 2025-06-17.

Submissions (2):

Labcorp Genetics (formerly Invitae), Labcorp
Classification: Uncertain significance. Last evaluated: 2025-06-17. Review status: criteria provided, single submitter. Criteria: Invitae Variant Classification Sherloc (09022015). Collection method: clinical testing. Allele origin: germline.
Comment: This sequence change replaces isoleucine, which is neutral and non-polar, with phenylalanine, which is neutral and non-polar, at codon 161 of the TYRP1 protein (p.Ile161Phe). This variant is not present in population databases (gnomAD no frequency). This missense change has been observed in individual(s) with clinical features of ocular albinism (internal data). ClinVar contains an entry for this variant (Variation ID: 624355). Invitae Evidence Modeling of protein sequence and biophysical properties (such as structural, functional, and spatial information, amino acid conservation, physicochemical variation, residue mobility, and thermodynamic stability) has been performed for this missense variant. However, the output from this modeling did not meet the statistical confidence thresholds required to predict the impact of this variant on TYRP1 protein function. Algorithms developed to predict the effect of sequence changes on RNA splicing suggest that this variant may disrupt the consensus splice site. In summary, the available evidence is currently insufficient to determine the role of this variant in disease. Therefore, it has been classified as a Variant of Uncertain Significance.

CeGaT Center for Human Genetics Tuebingen
Classification: Likely pathogenic. Last evaluated: 2018-06-01. Review status: criteria provided, single submitter. Criteria: CeGaT Center For Human Genetics Tuebingen Variant Classification Criteria Version 2. Collection method: clinical testing. Allele origin: germline. Affected: yes. Observed: 1 variant allele.

NM_000550.3(TYRP1):c.481A>T (p.Ile161Phe)

Gene: TYRP1 (tyrosinase related protein 1; plus strand). Cytogenetic location: 9p23.
Variant type: single nucleotide variant.
Coding change: c.481A>T on transcript NM_000550.3 (MANE Select); coding-DNA position 481, A replaced by T.
Protein change: p.Ile161Phe; replaces isoleucine 161 with phenylalanine.
Molecular consequence: missense variant.
Genome position (GRCh38, 1-based): chr9:12,695,610, A>T. VCF-style: chr9-12695610-A-T. GRCh37 (hg19) VCF-style: chr9-12695610-A-T.
Other names: short protein forms I161F.
Identifiers: ClinVar variation 624355 (VCV000624355.44), dbSNP rs1308562697, ClinGen allele CA372937196.